The following is an entry in ClinVar:

NM_001256789.3(CACNA1F):c.3020G>A (p.Gly1007Glu)

Gene: CACNA1F (calcium voltage-gated channel subunit alpha1 F; minus strand). Cytogenetic location: Xp11.23.
Variant type: single nucleotide variant.
Coding change: c.3020G>A on transcript NM_001256789.3 (MANE Select); coding-DNA position 3020, G replaced by A.
Protein change: p.Gly1007Glu; replaces glycine 1007 with glutamic acid.
Molecular consequence: missense variant.
Genome position (GRCh38, 1-based): chrX:49,217,914, C>T on the plus strand (G>A on the coding strand, the complement: CACNA1F is on the minus strand). VCF-style: chrX-49217914-C-T. GRCh37 (hg19) VCF-style: chrX-49074373-C-T.
Other names: c.2858G>A, p.Gly953Glu (NM_001256790.3); c.3053G>A, p.Gly1018Glu (NM_005183.4); short protein forms G1018E, G1007E, G953E.
Identifiers: ClinVar variation 420802 (VCV000420802.5), dbSNP rs1064794711, ClinGen allele CA16621427.
Genomic context (GRCh38, chrX:49,217,914, plus strand): 5'-CCGCCCAGACCCCTGCCTGGCATTCCCTCCAGTGTTTGCCCCACCTTGAAGAGCTGCACC[C>T]CGATGCAGGCGAACATAAATTGCAGAAGTGTGGTGACAATCATGATGTTTCCGATGGTCC-3'
Protein context (NP_001243718.1, residues 997-1017): TLLQFMFACI[Gly1007Glu]VQLFKGKFYT

ClinVar aggregate classification (germline): Conflicting classifications of pathogenicity. Review status: criteria provided, conflicting classifications (1 of 4 stars). 2 submissions from 2 submitters: Likely pathogenic (1); Uncertain significance (1). Last evaluated 2023-07-21.

Submissions (2):

Labcorp Genetics (formerly Invitae), Labcorp
Classification: Uncertain significance. Last evaluated: 2023-07-21. Review status: criteria provided, single submitter. Criteria: Invitae Variant Classification Sherloc (09022015). Collection method: clinical testing. Allele origin: germline.
Comment: This variant is not present in population databases (gnomAD no frequency). This sequence change replaces glycine, which is neutral and non-polar, with glutamic acid, which is acidic and polar, at codon 1018 of the CACNA1F protein (p.Gly1018Glu). This missense change has been observed in individual(s) with clinical features of inherited retinal dystrophy (Invitae). In summary, the available evidence is currently insufficient to determine the role of this variant in disease. Therefore, it has been classified as a Variant of Uncertain Significance. This variant disrupts the p.Gly1018 amino acid residue in CACNA1F. Other variant(s) that disrupt this residue have been determined to be pathogenic (PMID: 12111638, 17949918, 19578023, 23714322). This suggests that this residue is clinically significant, and that variants that disrupt this residue are likely to be disease-causing. Algorithms developed to predict the effect of sequence changes on RNA splicing suggest that this variant may create or strengthen a splice site. Advanced modeling of protein sequence and biophysical properties (such as structural, functional, and spatial information, amino acid conservation, physicochemical variation, residue mobility, and thermodynamic stability) performed at Invitae indicates that this missense variant is expected to disrupt CACNA1F protein function. ClinVar contains an entry for this variant (Variation ID: 420802).

GeneDx
Classification: Likely pathogenic. Last evaluated: 2016-03-24. Review status: criteria provided, single submitter. Criteria: GeneDx Variant Classification (06012015). Collection method: clinical testing. Allele origin: germline. Affected: yes.
Comment: The G1018E variant in the CACNA1F gene has not been reported previously as a pathogenic variant, nor as a benign variant, to our knowledge. This variant was not observed in approximately 6500 individuals of European and African American ancestry in the NHLBI Exome Sequencing Project, indicating it is not a common benign variant in these populations. The G1018E variant is a non-conservative amino acid substitution, which is likely to impact secondary protein structure as these residues differ in polarity, charge, size and/or other properties. This substitution occurs at a position where amino acids with similar properties to Glycine are tolerated across species; however, the G1018E variant results in a replacement of a polar, uncharged Glycine with a larger, acidic Glutamic Acid residue. In silico analysis predicts this variant is probably damaging to the protein structure/function, and protein modeling studies suggest that the substitution of Glycine-1018 with a larger amino acid disrupts calcium channel structure and function (Stockner and Koschak, 2015). A missense variant in the same residue (G1018R) has been reported in the Human Gene Mutation Database in association with congenital stationary night blindness (Stenson et al., 2014), supporting the functional importance of this residue of the protein. The G1018E variant is a strong candidate for a pathogenic variant, however, the possibility it may be a rare benign variant cannot be excluded.

Literature cited by the submitters: PubMed 12111638 (cited by Labcorp Genetics (formerly Invitae), Labcorp); PubMed 17949918 (cited by Labcorp Genetics (formerly Invitae), Labcorp); PubMed 19578023 (cited by Labcorp Genetics (formerly Invitae), Labcorp); PubMed 23714322 (cited by Labcorp Genetics (formerly Invitae), Labcorp).